The following is an entry in ClinVar:

NM_001113407.3(LDB1):c.133A>C (p.Thr45Pro)

Genes: LDB1 (LIM domain binding 1; minus strand), LOC126861021 (CDK7 strongly-dependent group 2 enhancer GRCh37_chr10:103870016-103871215; plus strand). Cytogenetic location: 10q24.32.
Variant type: single nucleotide variant.
Coding change: c.133A>C on transcript NM_001113407.3 (MANE Select); coding-DNA position 133, A replaced by C.
Protein change: p.Thr45Pro; replaces threonine 45 with proline.
Molecular consequence: missense variant.
Genome position (GRCh38, 1-based): chr10:102,111,296, T>G on the plus strand (A>C on the coding strand, the complement: LDB1 is on the minus strand). VCF-style: chr10-102111296-T-G. GRCh37 (hg19) VCF-style: chr10-103871053-T-G.
Other names: c.133A>C, p.Thr45Pro (NM_001321612.2); c.25A>C, p.Thr9Pro (NM_003893.5); short protein forms T45P, T9P.
Identifiers: ClinVar variation 4976144 (VCV004976144.1).

ClinVar aggregate classification (germline): Uncertain significance (1 of 4 stars; one submission).

Submission:

GeneDx
Classification: Uncertain significance. Last evaluated: 2026-02-03. Review status: criteria provided, single submitter. Criteria: GeneDx Variant Classification Process June 2021. Collection method: clinical testing. Allele origin: germline.
Comment: Not observed at significant frequency in large population cohorts (gnomAD); In silico analysis suggests that this missense variant does not alter protein structure/function; Has not been previously published as pathogenic or benign to our knowledge